The following is an entry in ClinVar:

ClinVar aggregate classification (germline): Uncertain significance (1 of 4 stars; one submission).

Conditions:
Hereditary cancer-predisposing syndrome. Also called: Neoplastic Syndromes, Hereditary; Hereditary Cancer Syndrome; Hereditary neoplastic syndrome; Tumor predisposition. Identifiers: Orphanet 140162, MedGen C0027672, MeSH D009386, MONDO:0015356.

Submission:

Labcorp Genetics (formerly Invitae), Labcorp
Classification: Uncertain significance for Hereditary cancer-predisposing syndrome. Last evaluated: 2021-12-14. Review status: criteria provided, single submitter. Criteria: Invitae Variant Classification Sherloc (09022015). Collection method: clinical testing. Allele origin: germline.
Comment: In summary, the available evidence is currently insufficient to determine the role of this variant in disease. Therefore, it has been classified as a Variant of Uncertain Significance. Algorithms developed to predict the effect of missense changes on protein structure and function (SIFT, PolyPhen-2, Align-GVGD) all suggest that this variant is likely to be tolerated. This variant has not been reported in the literature in individuals affected with RAD50-related conditions. This variant is not present in population databases (gnomAD no frequency). This sequence change replaces leucine, which is neutral and non-polar, with isoleucine, which is neutral and non-polar, at codon 615 of the RAD50 protein (p.Leu615Ile).

NM_005732.4(RAD50):c.1843C>A (p.Leu615Ile)

Gene: RAD50 (RAD50 double strand break repair protein; plus strand). Cytogenetic location: 5q31.1.
Variant type: single nucleotide variant.
Coding change: c.1843C>A on transcript NM_005732.4 (MANE Select); coding-DNA position 1843, C replaced by A.
Protein change: p.Leu615Ile; replaces leucine 615 with isoleucine.
Molecular consequence: missense variant.
Genome position (GRCh38, 1-based): chr5:132,594,918, C>A. VCF-style: chr5-132594918-C-A. GRCh37 (hg19) VCF-style: chr5-131930610-C-A.
Other names: short protein forms L615I.
Identifiers: ClinVar variation 2042684 (VCV002042684.4), dbSNP rs2149843692, ClinGen allele CA360947686.
Genomic context (GRCh38, chr5:132,594,918, plus strand): 5'-TCTTATTTTAGCAAGGAACTAGCTTCATCTGAGCAGAATAAAAATCATATAAATAATGAA[C>A]TAAAAAGAAAGGAAGAGCAGTTGTCCAGTTACGAAGACAAGCTGTTTGATGTTTGTGGTA-3'
Protein context (NP_005723.2, residues 605-625): EQNKNHINNE[Leu615Ile]KRKEEQLSSY